The following is an entry in ClinVar:

ClinVar aggregate classification (germline): Uncertain significance. Review status: criteria provided, multiple submitters, no conflicts (2 of 4 stars). 2 submissions from 2 submitters: Uncertain significance (2). Last evaluated 2021-09-24.

Conditions:
Pierson syndrome. Also called: MICROCORIA-CONGENITAL NEPHROTIC SYNDROME. Identifiers: Orphanet 2670, MedGen C1836876, MONDO:0012184, OMIM 609049.
LAMB2-related infantile-onset nephrotic syndrome. Also called: NEPHROTIC SYNDROME, TYPE 5, WITHOUT OCULAR ABNORMALITIES; NEPHROTIC SYNDROME, TYPE 5, WITH OCULAR ABNORMALITIES; Nephrotic Syndrome, type 5. Identifiers: Orphanet 306507, MedGen C3280113, MONDO:0013621, OMIM 614199.

Allele frequency attached by ClinVar (database versions not stated): gnomAD 0.00001 and 0.00003; ExAC 0.00003; gnomAD exomes 0.00003; TOPMed 0.00003; ESP Exome Variant Server 0.00015; 1000 Genomes Project 30x 0.00016; 1000 Genomes Project 0.00020.
gnomAD v4.1: 45 of 1,614,102 alleles (0.0028%); highest among the groups gnomAD compares: South Asian, 0.0055%; no homozygotes.

Submissions (2):

Labcorp Genetics (formerly Invitae), Labcorp
Classification: Uncertain significance for LAMB2-related infantile-onset nephrotic syndrome; Pierson syndrome. Last evaluated: 2021-09-24. Review status: criteria provided, single submitter. Criteria: Invitae Variant Classification Sherloc (09022015). Collection method: clinical testing. Allele origin: germline.
Comment: This sequence change replaces arginine with histidine at codon 1346 of the LAMB2 protein (p.Arg1346His). The arginine residue is moderately conserved and there is a small physicochemical difference between arginine and histidine. This variant is present in population databases (rs149144377, ExAC 0.01%). This variant has not been reported in the literature in individuals with LAMB2-related conditions. Algorithms developed to predict the effect of missense changes on protein structure and function output the following: SIFT: "Tolerated"; PolyPhen-2: "Benign"; Align-GVGD: "Class C0". The histidine amino acid residue is found in multiple mammalian species, suggesting that this missense change does not adversely affect protein function. These predictions have not been confirmed by published functional studies and their clinical significance is uncertain. In summary, the available evidence is currently insufficient to determine the role of this variant in disease. Therefore, it has been classified as a Variant of Uncertain Significance.

Fulgent Genetics
Classification: Uncertain significance for Pierson syndrome; LAMB2-related infantile-onset nephrotic syndrome. Last evaluated: 2021-08-06. Review status: criteria provided, single submitter. Criteria: ACMG Guidelines, 2015. Collection method: clinical testing. Allele origin: unknown.

NM_002292.4(LAMB2):c.4037G>A (p.Arg1346His)

Gene: LAMB2 (laminin subunit beta 2; minus strand). Cytogenetic location: 3p21.31.
Variant type: single nucleotide variant.
Coding change: c.4037G>A on transcript NM_002292.4 (MANE Select); coding-DNA position 4037, G replaced by A.
Protein change: p.Arg1346His; replaces arginine 1346 with histidine.
Molecular consequence: missense variant.
Genome position (GRCh38, 1-based): chr3:49,123,319, C>T on the plus strand (G>A on the coding strand, the complement: LAMB2 is on the minus strand). VCF-style: chr3-49123319-C-T. GRCh37 (hg19) VCF-style: chr3-49160752-C-T.
Other names: short protein forms R1346H.
Identifiers: ClinVar variation 1430301 (VCV001430301.6), dbSNP rs149144377, ClinGen allele CA2393884.